The following is an entry in ClinVar:

ClinVar aggregate classification (germline): Uncertain significance (1 of 4 stars; one submission).

Conditions:
Joubert syndrome. Also called: CEREBELLOPARENCHYMAL DISORDER IV; JOUBERT-BOLTSHAUSER SYNDROME; Familial aplasia of the vermis. Identifiers: Orphanet 475, MedGen C5979921, MONDO:0018772.
Nephronophthisis. Also called: Juvenile Nephronophthisis. Identifiers: Orphanet 655, MedGen C0687120, MONDO:0019005, HP:0000090.
Meckel-Gruber syndrome. Also called: DYSENCEPHALIA SPLANCHNOCYSTICA; GRUBER SYNDROME; Dysencephalia splachnocystica. Identifiers: Orphanet 564, MedGen C0265215, MONDO:0018921.

Submission:

Labcorp Genetics (formerly Invitae), Labcorp
Classification: Uncertain significance for Joubert syndrome; Meckel-Gruber syndrome; Nephronophthisis. Last evaluated: 2022-08-16. Review status: criteria provided, single submitter. Criteria: Invitae Variant Classification Sherloc (09022015). Collection method: clinical testing. Allele origin: germline.
Comment: This sequence change replaces isoleucine, which is neutral and non-polar, with valine, which is neutral and non-polar, at codon 1047 of the CEP290 protein (p.Ile1047Val). This variant is not present in population databases (gnomAD no frequency). This variant has not been reported in the literature in individuals affected with CEP290-related conditions. ClinVar contains an entry for this variant (Variation ID: 1405731). Algorithms developed to predict the effect of missense changes on protein structure and function output the following: SIFT: "Tolerated"; PolyPhen-2: "Benign"; Align-GVGD: "Class C0". The valine amino acid residue is found in multiple mammalian species, which suggests that this missense change does not adversely affect protein function. In summary, the available evidence is currently insufficient to determine the role of this variant in disease. Therefore, it has been classified as a Variant of Uncertain Significance.

NM_025114.4(CEP290):c.3139A>G (p.Ile1047Val)

Gene: CEP290 (centrosomal protein 290; minus strand). Cytogenetic location: 12q21.32.
Variant type: single nucleotide variant.
Coding change: c.3139A>G on transcript NM_025114.4 (MANE Select); coding-DNA position 3139, A replaced by G.
Protein change: p.Ile1047Val; replaces isoleucine 1047 with valine.
Molecular consequence: missense variant.
Genome position (GRCh38, 1-based): chr12:88,093,940, T>C on the plus strand (A>G on the coding strand, the complement: CEP290 is on the minus strand). VCF-style: chr12-88093940-T-C. GRCh37 (hg19) VCF-style: chr12-88487717-T-C.
Other names: short protein forms I1047V.
Identifiers: ClinVar variation 1405731 (VCV001405731.6), dbSNP rs2137368973, ClinGen allele CA386006482.